The following is an entry in ClinVar:

NM_001386298.1(CIC):c.997C>T (p.Arg333Cys)

Gene: CIC (capicua transcriptional repressor; plus strand). Cytogenetic location: 19q13.2.
Variant type: single nucleotide variant.
Coding change: c.997C>T on transcript NM_001386298.1 (MANE Select); coding-DNA position 997, C replaced by T.
Protein change: p.Arg333Cys; replaces arginine 333 with cysteine.
Molecular consequence: missense variant.
Genome position (GRCh38, 1-based): chr19:42,272,780, C>T. VCF-style: chr19-42272780-C-T. GRCh37 (hg19) VCF-style: chr19-42776932-C-T.
Other names: c.997C>T, p.Arg333Cys (NM_001304815.2, NM_001379480.1, NM_001379482.1); short protein forms R333C.
Identifiers: ClinVar variation 1691566 (VCV001691566.3), dbSNP rs2147013536, ClinGen allele CA406083651.
Genomic context (GRCh38, chr19:42,272,780, plus strand): 5'-AGCCTCCCGCAGCCCCCACAGCCACTGCACCGTGAGCCAGAGGAGGCTGTGTGGGTGGCC[C>T]GCTCCAGCCTACGCCTGCTGCGCCCCCCCTGGGAACCTGAGACCATGCTGAGGAAGCCCC-3'
Protein context (NP_001373227.1, residues 323-343): REPEEAVWVA[Arg333Cys]SSLRLLRPPW

ClinVar aggregate classification (germline): Uncertain significance (1 of 4 stars; one submission).

Allele frequency attached by ClinVar (database versions not stated): gnomAD exomes 0.00001.

Submission:

Centre of Medical Genetics, University Hospital Muenster
Classification: Uncertain significance. Last evaluated: 2022-05-02. Review status: criteria provided, single submitter. Criteria: ACMG Guidelines, 2015. Collection method: clinical testing. Allele origin: unknown. Affected: yes. Observed: 1 variant allele, 1 heterozygote.
Comment: ACMG categories: PS4,BP1